The following is an entry in ClinVar:

ClinVar aggregate classification (germline): Uncertain significance (1 of 4 stars; one submission).

Conditions:
Fanconi anemia (FA). Also called: Fanconi's anemia. Identifiers: Orphanet 84, MedGen C0015625, MeSH D005199, MONDO:0019391.

gnomAD v4.1: 4 of 1,608,422 alleles (0.00025%); highest among the groups gnomAD compares: Non-Finnish European, 0.00034%; no homozygotes.

Submission:

Labcorp Genetics (formerly Invitae), Labcorp
Classification: Uncertain significance for Fanconi anemia. Last evaluated: 2022-10-19. Review status: criteria provided, single submitter. Criteria: Invitae Variant Classification Sherloc (09022015). Collection method: clinical testing. Allele origin: germline.
Comment: In summary, the available evidence is currently insufficient to determine the role of this variant in disease. Therefore, it has been classified as a Variant of Uncertain Significance. Variants that disrupt the consensus splice site are a relatively common cause of aberrant splicing (PMID: 17576681, 9536098). Algorithms developed to predict the effect of sequence changes on RNA splicing suggest that this variant is not likely to affect RNA splicing. This variant has not been reported in the literature in individuals affected with FANCA-related conditions. This variant is not present in population databases (gnomAD no frequency). This sequence change falls in intron 2 of the FANCA gene. It does not directly change the encoded amino acid sequence of the FANCA protein. It affects a nucleotide within the consensus splice site.

Literature cited by the submitters: PubMed 17576681; PubMed 9536098.

NM_000135.4(FANCA):c.189+3A>G

Gene: FANCA (FA complementation group A; minus strand). Cytogenetic location: 16q24.3.
Variant type: single nucleotide variant.
Coding change: c.189+3A>G on transcript NM_000135.4 (MANE Select); 3 bases into the intron after coding-DNA position 189, A replaced by G.
Molecular consequence: intron variant.
Genome position (GRCh38, 1-based): chr16:89,815,874, T>C on the plus strand (A>G on the coding strand, the complement: FANCA is on the minus strand). VCF-style: chr16-89815874-T-C. GRCh37 (hg19) VCF-style: chr16-89882282-T-C.
Other names: c.189+3A>G (NM_001286167.3, NM_001351830.2, NM_001018112.3).
Identifiers: ClinVar variation 2416262 (VCV002416262.5), dbSNP rs2143723295, ClinGen allele CA2580092392.